The following is an entry in ClinVar:

NM_001267550.2(TTN):c.1938+7A>G

Gene: TTN (titin; minus strand). Cytogenetic location: 2q31.2.
Variant type: single nucleotide variant.
Coding change: c.1938+7A>G on transcript NM_001267550.2 (MANE Select); 7 bases into the intron after coding-DNA position 1938, A replaced by G.
Molecular consequence: intron variant.
Genome position (GRCh38, 1-based): chr2:178,789,971, T>C on the plus strand (A>G on the coding strand, the complement: TTN is on the minus strand). VCF-style: chr2-178789971-T-C. GRCh37 (hg19) VCF-style: chr2-179654698-T-C.
Other names: p.?; c.1800+7A>G (NM_003319.4, NM_133437.4, NM_133432.3); c.1938+7A>G (NM_133378.4, NM_001256850.1, NM_133379.5).
Identifiers: ClinVar variation 4684626 (VCV004684626.1).

ClinVar aggregate classification (germline): Likely benign (1 of 4 stars; one submission).

gnomAD v4.1: 2 of 1,612,738 alleles (0.00012%); highest among the groups gnomAD compares: East Asian, 0.0045%; no homozygotes.

Submission:

Mayo Clinic Laboratories, Mayo Clinic
Classification: Likely benign. Last evaluated: 2025-08-08. Review status: criteria provided, single submitter. Criteria: ACMG Guidelines, 2015. Collection method: clinical testing. Allele origin: germline. Observed: 1 variant allele.
Comment: BP4, BP7